The following is an entry in ClinVar:

NM_001370259.2(MEN1):c.697A>C (p.Lys233Gln)

Gene: MEN1 (menin 1; minus strand). Cytogenetic location: 11q13.1.
Variant type: single nucleotide variant.
Coding change: c.697A>C on transcript NM_001370259.2 (MANE Select); coding-DNA position 697, A replaced by C.
Protein change: p.Lys233Gln; replaces lysine 233 with glutamine.
Molecular consequence: missense variant.
Genome position (GRCh38, 1-based): chr11:64,807,638, T>G on the plus strand (A>C on the coding strand, the complement: MEN1 is on the minus strand). VCF-style: chr11-64807638-T-G. GRCh37 (hg19) VCF-style: chr11-64575110-T-G.
Other names: c.712A>C, p.Lys238Gln (NM_000244.4, NM_001407145.1, NM_001407150.1 and 5 more transcripts); c.697A>C, p.Lys233Gln (NM_001370251.2, NM_001370260.2, NM_001370261.2 and 7 more transcripts); c.592A>C, p.Lys198Gln (NM_001370262.2, NM_001370263.2, NM_001407148.1 and 2 more transcripts); short protein forms K198Q, K238Q, K233Q.
Identifiers: ClinVar variation 1756411 (VCV001756411.7), dbSNP rs1114167499, ClinGen allele CA381184617.
Genomic context (GRCh38, chr11:64,807,638, plus strand): 5'-AGTCGGTGTGCAGGTCAATGGAAGGGTTGATGGCACACACCATGAACGCCACCTCCATCT[T>G]GCGGTCACAGCGCATGTATGATCCTTTCAGGTACAGCCAGCTCTTAGGGGGGGATGAGAT-3'
Protein context (NP_001357188.2, residues 223-243): LKGSYMRCDR[Lys233Gln]MEVAFMVCAI

ClinVar aggregate classification (germline): Uncertain significance. Review status: criteria provided, multiple submitters, no conflicts (2 of 4 stars). 2 submissions from 2 submitters: Uncertain significance (2). Last evaluated 2022-03-03.

Conditions:
Hereditary cancer-predisposing syndrome. Also called: Neoplastic Syndromes, Hereditary; Tumor predisposition; Hereditary neoplastic syndrome; Hereditary Cancer Syndrome. Identifiers: Orphanet 140162, MedGen C0027672, MeSH D009386, MONDO:0015356.
Multiple endocrine neoplasia, type 1 (MEN1). Also called: MEN I; WERMER SYNDROME; Endocrine adenomatosis multiple; MEN 1; MEA I. Identifiers: Orphanet 652, MedGen C0025267, MeSH D018761, MONDO:0007540, OMIM 131100.

Submissions (2):

Ambry Genetics
Classification: Uncertain significance for Hereditary cancer-predisposing syndrome. Last evaluated: 2022-03-03. Review status: criteria provided, single submitter. Criteria: Ambry Variant Classification Scheme 2023. Collection method: clinical testing. Allele origin: germline.
Comment: The p.K233Q variant (also known as c.697A>C), located in coding exon 3 of the MEN1 gene, results from an A to C substitution at nucleotide position 697. The lysine at codon 233 is replaced by glutamine, an amino acid with similar properties. This amino acid position is conserved. In addition, the in silico prediction for this alteration is inconclusive. Since supporting evidence is limited at this time, the clinical significance of this alteration remains unclear.

Labcorp Genetics (formerly Invitae), Labcorp
Classification: Uncertain significance for Multiple endocrine neoplasia, type 1. Last evaluated: 2021-12-30. Review status: criteria provided, single submitter. Criteria: Invitae Variant Classification Sherloc (09022015). Collection method: clinical testing. Allele origin: germline.
Comment: Algorithms developed to predict the effect of sequence changes on RNA splicing suggest that this variant may create or strengthen a splice site. Advanced modeling of protein sequence and biophysical properties (such as structural, functional, and spatial information, amino acid conservation, physicochemical variation, residue mobility, and thermodynamic stability) performed at Invitae indicates that this missense variant is not expected to disrupt MEN1 protein function. This variant has not been reported in the literature in individuals affected with MEN1-related conditions. This variant is not present in population databases (gnomAD no frequency). This sequence change replaces lysine, which is basic and polar, with glutamine, which is neutral and polar, at codon 233 of the MEN1 protein (p.Lys233Gln). In summary, the available evidence is currently insufficient to determine the role of this variant in disease. Therefore, it has been classified as a Variant of Uncertain Significance.